The following is an entry in ClinVar:

NM_030962.4(SBF2):c.3455+1G>T

Genes: SBF2 (SET binding factor 2; minus strand), LOC101928008 (uncharacterized LOC101928008; plus strand). Cytogenetic location: 11p15.4.
Variant type: single nucleotide variant.
Coding change: c.3455+1G>T on transcript NM_030962.4 (MANE Select); the canonical splice donor site of the intron after coding-DNA position 3455, G replaced by T.
Molecular consequence: splice donor variant.
Genome position (GRCh38, 1-based): chr11:9,839,497, C>A on the plus strand (G>T on the coding strand, the complement: SBF2 is on the minus strand). VCF-style: chr11-9839497-C-A. GRCh37 (hg19) VCF-style: chr11-9861044-C-A.
Other names: c.3491+1G>T (NM_001425069.1, NM_001425070.1, NM_001424318.1); c.3326+1G>T (NM_001386342.1); c.3455+1G>T (NM_001386339.1).
Identifiers: ClinVar variation 5018507 (VCV005018507.1).
Genomic context (GRCh38, chr11:9,839,497, plus strand): 5'-AAAGATTCAAATAAGAAGAAAGGAAGGAAGACCTCTTTTTGGAGCCCACTGACACACTTA[C>A]CTCCGGCAGAGTGAATACATCCTGTTGGAGGCAGTAATTCTAAAATACTCGGGTCTTGAA-3'

ClinVar aggregate classification (germline): Pathogenic (1 of 4 stars; one submission).

Conditions:
Charcot-Marie-Tooth disease type 4B2. Also called: CMT 4B2; Charcot-Marie-Tooth Neuropathy Type 4B2; CHARCOT-MARIE-TOOTH DISEASE, WITH FOCALLY FOLDED MYELIN SHEATHS, AUTOSOMAL RECESSIVE, TYPE 4B2; CHARCOT-MARIE-TOOTH DISEASE, DEMYELINATING, TYPE 4B2. Identifiers: Orphanet 99956, MedGen C1858278, MONDO:0011475, OMIM 604563.

Submission:

Laboratorio de Genética, Hospital Universitario Reina Sofía
Classification: Pathogenic for Charcot-Marie-Tooth disease type 4B2. Last evaluated: 2025-11-18. Review status: criteria provided, single submitter. Criteria: ACMG Guidelines, 2015. Collection method: clinical testing. Allele origin: biparental. Inheritance: Autosomal recessive inheritance. Affected: yes. Observed: 1 variant allele, 1 homozygote.
Comment: NM_030962.4(SBF2):c.3455+1G>T is classified as Pathogenic. This variant affects the canonical splice donor site (+1) and is predicted to abolish normal splicing, resulting in a loss-of-function allele (PVS1_VeryStrong). Biallelic loss-of-function variants in SBF2 (MTMR13) are an established cause of autosomal recessive Charcot–Marie–Tooth neuropathy type 4B2, characterized by demyelinating neuropathy with myelin outfoldings and variably associated glaucoma. The variant is absent or extremely rare in population databases (PM2_Moderate).